The following is an entry in ClinVar:

ClinVar aggregate classification (germline): Conflicting classifications of pathogenicity. Review status: criteria provided, conflicting classifications (1 of 4 stars). 8 submissions from 8 submitters: Likely pathogenic (2); Uncertain significance (6). Last evaluated 2026-03-31.

Conditions:
POLG-related disorder. Also called: POLG-related condition; POLG-Related Disorders; POLG-Related Spectrum Disorders. Identifiers: MedGen C4763519.
Mitochondrial DNA depletion syndrome. Also called: mitochondrial DNA depletion. Identifiers: Orphanet 35698, MedGen C0342782, MONDO:0018158.
Progressive sclerosing poliodystrophy (MTDPS4A). Also called: Mitochondrial DNA Depletion Syndrome 4A; Mitochondrial DNA depletion syndrome 4A (Alpers type); ALPERS DIFFUSE DEGENERATION OF CEREBRAL GRAY MATTER WITH HEPATIC CIRRHOSIS; NEURONAL DEGENERATION OF CHILDHOOD WITH LIVER DISEASE, PROGRESSIVE; Alpers-Huttenlocher Syndrome; Alpers-Huttenlocher Syndrome (AHS). Identifiers: Orphanet 726, MedGen C0205710, MONDO:0008758, OMIM 203700.

Allele frequency attached by ClinVar (database versions not stated): gnomAD 0.00001; gnomAD exomes 0.00001 and 0.00003; ExAC 0.00003; TOPMed 0.00003; ESP Exome Variant Server 0.00015; 1000 Genomes Project 30x 0.00016; 1000 Genomes Project 0.00020.
gnomAD v4.1: 21 of 1,614,150 alleles (0.0013%); highest among the groups gnomAD compares: South Asian, 0.0033%; no homozygotes.

Submissions (8):

Dasa
Classification: Uncertain significance. Last evaluated: 2026-03-31. Review status: criteria provided, single submitter. Criteria: DASA Assertion Criteria. Collection method: clinical testing. Allele origin: germline.
Comment: NM_002693.3(POLG):c.3542G>A (p.Ser1181Asn) is a missense variant that results in the substitution of serine with asparagine. Segregation data support an association with disease in the reported family/families (PMID: 35101151). Also, this variant is rare in population databases. Computational prediction algorithms are consistent with a deleterious effect. The currently available literature and clinical evidence are not sufficient to establish a definitive association between this variant and the reported condition. Therefore, this variant is classified as a variant of uncertain significance.

Labcorp Genetics (formerly Invitae), Labcorp
Classification: Likely pathogenic for Progressive sclerosing poliodystrophy. Last evaluated: 2025-10-12. Review status: criteria provided, single submitter. Criteria: Invitae Variant Classification Sherloc (09022015). Collection method: clinical testing. Allele origin: germline.
Comment: This sequence change replaces serine, which is neutral and polar, with asparagine, which is neutral and polar, at codon 1181 of the POLG protein (p.Ser1181Asn). This variant is present in population databases (rs149921636, gnomAD 0.006%). This missense change has been observed in individual(s) with autosomal dominant POLG-related conditions (PMID: 35101151). It has also been observed to segregate with disease in related individuals. ClinVar contains an entry for this variant (Variation ID: 374526). Invitae Evidence Modeling of protein sequence and biophysical properties (such as structural, functional, and spatial information, amino acid conservation, physicochemical variation, residue mobility, and thermodynamic stability) indicates that this missense variant is expected to disrupt POLG protein function with a positive predictive value of 95%. In summary, the currently available evidence indicates that the variant is pathogenic, but additional data are needed to prove that conclusively. Therefore, this variant has been classified as Likely Pathogenic.

Myriad Genetics, Inc.
Classification: Uncertain significance for POLG-related disorder. Last evaluated: 2025-08-19. Review status: criteria provided, single submitter. Criteria: Myriad Autosomal Dominant, Autosomal Recessive and X-Linked Classification Criteria (2023). Collection method: clinical testing. Allele origin: unknown.
Comment: NM_002693.2(POLG):c.3542G>A(S1181N) is a missense variant classified as a variant of uncertain significance in the context of POLG-related disorders. S1181N has been observed in a case with relevant disease (PMID: 35101151). Relevant functional assessments of this variant are not available in the literature. S1181N has been observed in referenced population frequency databases. In summary, there is insufficient evidence to classify NM_002693.2(POLG):c.3542G>A(S1181N) as pathogenic or benign. Please note: this variant was assessed in the context of healthy population screening.

CeGaT Center for Human Genetics Tuebingen
Classification: Uncertain significance. Last evaluated: 2025-06-01. Review status: criteria provided, single submitter. Criteria: CeGaT Center For Human Genetics Tuebingen Variant Classification Criteria Version 2. Collection method: clinical testing. Allele origin: germline. Affected: yes. Observed: 3 variant alleles.
Comment: POLG: PM1, PS4:Moderate, PM2:Supporting, BP5

Women's Health and Genetics/Laboratory Corporation of America, LabCorp
Classification: Likely pathogenic for Mitochondrial DNA depletion syndrome. Last evaluated: 2025-05-29. Review status: criteria provided, single submitter. Criteria: LabCorp Variant Classification Summary - May 2015. Collection method: clinical testing. Allele origin: germline.
Comment: Variant summary: POLG c.3542G>A (p.Ser1181Asn) results in a conservative amino acid change located in the DNA polymerase gamma, palm domain (IPR047580) of the encoded protein sequence. Algorithms developed to predict the effect of missense changes on protein structure and function are either unavailable or do not agree on the potential impact of this missense change. The variant allele was found at a frequency of 3.2e-05 in 251492 control chromosomes. c.3542G>A has been observed in the literature in four affected individuals and this variant co-segregated in a family with autosomal dominant axonal neuropathy, proximal muscle fatigability, ptosis, and ragged red fbers (Dohrn_2022). These data indicate that the variant is likely to be associated with disease. To our knowledge, no experimental evidence demonstrating an impact on protein function has been reported. The following publications have been ascertained in the context of this evaluation (PMID: 35101151, 35811324, 24508722). ClinVar contains an entry for this variant (Variation ID: 374526). Based on the evidence outlined above, the variant was classified as likely pathogenic.

Mayo Clinic Laboratories, Mayo Clinic
Classification: Uncertain significance. Last evaluated: 2023-11-29. Review status: criteria provided, single submitter. Criteria: ACMG Guidelines, 2015. Collection method: clinical testing. Allele origin: germline. Observed: 1 variant allele.
Comment: PP1, PP3

GeneDx
Classification: Uncertain significance. Last evaluated: 2022-08-31. Review status: criteria provided, single submitter. Criteria: GeneDx Variant Classification Process June 2021. Collection method: clinical testing. Allele origin: germline. Affected: yes.
Comment: Not observed at significant frequency in large population cohorts (gnomAD); In silico analysis supports that this missense variant has a deleterious effect on protein structure/function; In silico analysis suggests this variant may impact gene splicing. In the absence of RNA/functional studies, the actual effect of this sequence change is unknown.; This variant is associated with the following publications: (PMID: 35811315, 35101151)

Wong Mito Lab, Molecular and Human Genetics, Baylor College of Medicine
Classification: Uncertain significance for Progressive sclerosing poliodystrophy. Last evaluated: 2018-10-01. Review status: criteria provided, single submitter. Criteria: ACMG Guidelines, 2015. Collection method: clinical testing. Allele origin: germline.
Comment: The NM_002693.2:c.3542G>A (NP_002684.1:p.Ser1181Asn) [GRCH38: NC_000015.10:g.89317477C>T] variant in POLG gene is interpretated to be a Uncertain Significance based on ACMG guidelines (PMID: 25741868). This variant meets the following evidence codes reported in the ACMG-guideline. PM2:This variant is absent in key population databases. PP2:This is a missense variant in POLG with a low rate of benign and high rate of pathogenic missense variations. PP3:Computational evidence/predictors indicate the variant has deleterious effect on POLG structure, function, or protein-protein interaction. Based on the evidence criteria codes applied, the variant is suggested to be Uncertain Significance.

Literature cited by the submitters: PubMed 35101151 (cited by 5 submitters); PubMed 24508722 (cited by Women's Health and Genetics/Laboratory Corporation of America, LabCorp); PubMed 35811324 (cited by Women's Health and Genetics/Laboratory Corporation of America, LabCorp and Mayo Clinic Laboratories, Mayo Clinic); PubMed 35811315 (cited by Mayo Clinic Laboratories, Mayo Clinic); PubMed 36157077 (cited by Mayo Clinic Laboratories, Mayo Clinic).

NM_002693.3(POLG):c.3542G>A (p.Ser1181Asn)

Gene: POLG (DNA polymerase gamma, catalytic subunit; minus strand). Cytogenetic location: 15q26.1.
Variant type: single nucleotide variant.
Coding change: c.3542G>A on transcript NM_002693.3 (MANE Select); coding-DNA position 3542, G replaced by A.
Protein change: p.Ser1181Asn; replaces serine 1181 with asparagine.
Molecular consequence: missense variant.
Genome position (GRCh38, 1-based): chr15:89,317,477, C>T on the plus strand (G>A on the coding strand, the complement: POLG is on the minus strand). VCF-style: chr15-89317477-C-T. GRCh37 (hg19) VCF-style: chr15-89860708-C-T.
Other names: p.Ser1181Asn; c.3542G>A, p.Ser1181Asn (NM_001126131.2); short protein forms S1181N.
Identifiers: ClinVar variation 374526 (VCV000374526.57), dbSNP rs149921636, ClinGen allele CA7724101.